The following is an entry in ClinVar:

NM_153460.4(IL17RC):c.771_772delinsAA (p.Gln258Lys)

Gene: IL17RC (interleukin 17 receptor C; plus strand). Cytogenetic location: 3p25.3.
Variant type: Indel.
Coding change: c.771_772delinsAA on transcript NM_153460.4 (MANE Select); coding-DNA positions 771 to 772, GC replaced by AA.
Protein change: p.Gln258Lys; replaces glutamine 258 with lysine.
Molecular consequence: missense variant. On other transcripts: non-coding transcript variant (1).
Genome position (GRCh38, 1-based): chr3:9,924,240-9,924,241, GC replaced by AA. VCF-style: chr3-9924240-GC-AA. GRCh37 (hg19) VCF-style: chr3-9965924-GC-AA.
Other names: c.726_727delinsAA, p.Gln243Lys (NM_032732.6, NM_001203265.2, NM_001367280.1 and 1 more transcripts); c.984_985delinsAA, p.Gln329Lys (NM_153461.4); c.771_772delinsAA, p.Gln258Lys (NM_001203263.2, NM_001203264.2); c.732_733delinsAA, p.Gln245Lys (NM_001367278.1); c.651_652delinsAA, p.Gln218Lys (NM_001367279.1); short protein forms Q245K, Q258K, Q243K, Q329K, Q218K.
Identifiers: ClinVar variation 2825945 (VCV002825945.3), dbSNP rs2470223992, ClinGen allele CA2739278044.

ClinVar aggregate classification (germline): Uncertain significance (1 of 4 stars; one submission).

Conditions:
Candidiasis, familial, 9 (CANDF9). Identifiers: Orphanet 1334, MedGen C4225324, MONDO:0014642, OMIM 616445.

Submission:

Labcorp Genetics (formerly Invitae), Labcorp
Classification: Uncertain significance for Candidiasis, familial, 9. Last evaluated: 2022-10-27. Review status: criteria provided, single submitter. Criteria: Invitae Variant Classification Sherloc (09022015). Collection method: clinical testing. Allele origin: germline.
Comment: In summary, the available evidence is currently insufficient to determine the role of this variant in disease. Therefore, it has been classified as a Variant of Uncertain Significance. Experimental studies and prediction algorithms are not available or were not evaluated, and the functional significance of this variant is currently unknown. This variant has not been reported in the literature in individuals affected with IL17RC-related conditions. Information on the frequency of this variant in the gnomAD database is not available, as this variant may be reported differently in the database. This sequence change replaces glutamine, which is neutral and polar, with lysine, which is basic and polar, at codon 329 of the IL17RC protein (p.Gln329Lys).